The following is an entry in ClinVar:

ClinVar aggregate classification (germline): Uncertain significance. Review status: criteria provided, multiple submitters, no conflicts (2 of 4 stars). 2 submissions from 2 submitters: Uncertain significance (2). Last evaluated 2024-03-22.

Submissions (2):

GeneDx
Classification: Uncertain significance. Last evaluated: 2024-03-22. Review status: criteria provided, single submitter. Criteria: GeneDx Variant Classification Process June 2021. Collection method: clinical testing. Allele origin: germline. Affected: yes.
Comment: Not observed at significant frequency in large population cohorts (gnomAD); In silico analysis supports that this missense variant has a deleterious effect on protein structure/function; Has not been previously published as pathogenic or benign to our knowledge

Labcorp Genetics (formerly Invitae), Labcorp
Classification: Uncertain significance. Last evaluated: 2024-01-10. Review status: criteria provided, single submitter. Criteria: Invitae Variant Classification Sherloc (09022015). Collection method: clinical testing. Allele origin: germline.
Comment: This sequence change replaces arginine, which is basic and polar, with tryptophan, which is neutral and slightly polar, at codon 422 of the STAG2 protein (p.Arg422Trp). This variant is not present in population databases (gnomAD no frequency). This variant has not been reported in the literature in individuals affected with STAG2-related conditions. Advanced modeling of protein sequence and biophysical properties (such as structural, functional, and spatial information, amino acid conservation, physicochemical variation, residue mobility, and thermodynamic stability) performed at Invitae indicates that this missense variant is expected to disrupt STAG2 protein function with a positive predictive value of 80%. In summary, the available evidence is currently insufficient to determine the role of this variant in disease. Therefore, it has been classified as a Variant of Uncertain Significance.

NM_001042750.2(STAG2):c.1264C>T (p.Arg422Trp)

Gene: STAG2 (STAG2 cohesin complex component; plus strand). Cytogenetic location: Xq25.
Variant type: single nucleotide variant.
Coding change: c.1264C>T on transcript NM_001042750.2 (MANE Select); coding-DNA position 1264, C replaced by T.
Protein change: p.Arg422Trp; replaces arginine 422 with tryptophan.
Molecular consequence: missense variant.
Genome position (GRCh38, 1-based): chrX:124,056,195, C>T. VCF-style: chrX-124056195-C-T. GRCh37 (hg19) VCF-style: chrX-123190045-C-T.
Other names: c.1264C>T, p.Arg422Trp (NM_001282418.2, NM_001375366.1, NM_001375367.1 and 13 more transcripts); short protein forms R422W.
Identifiers: ClinVar variation 2708672 (VCV002708672.4), dbSNP rs2058189918, ClinGen allele CA414278234.